The following is an entry in ClinVar:

ClinVar aggregate classification (germline): Uncertain significance (1 of 4 stars; one submission).

Conditions:
Pontocerebellar hypoplasia type 2D (PCH2D). Also called: Progressive cerebello-cerebral atrophy. Identifiers: Orphanet 247198, Orphanet 2524, MedGen C3151140, MONDO:0013438, OMIM 613811.

Submission:

Institute of Human Genetics, University of Leipzig Medical Center
Classification: Uncertain significance for Pontocerebellar hypoplasia type 2D. Last evaluated: 2024-02-06. Review status: criteria provided, single submitter. Criteria: ACMG Guidelines, 2015. Collection method: clinical testing. Allele origin: maternal. Inheritance: Autosomal recessive inheritance. Affected: yes.
Comment: Criteria applied: PM2_SUP,PP3

NM_016955.4(SEPSECS):c.437T>C (p.Met146Thr)

Gene: SEPSECS (Sep (O-phosphoserine) tRNA:Sec (selenocysteine) tRNA synthase; minus strand). Cytogenetic location: 4p15.2.
Variant type: single nucleotide variant.
Coding change: c.437T>C on transcript NM_016955.4 (MANE Select); coding-DNA position 437, T replaced by C.
Protein change: p.Met146Thr; replaces methionine 146 with threonine.
Molecular consequence: missense variant.
Genome position (GRCh38, 1-based): chr4:25,156,147, A>G on the plus strand (T>C on the coding strand, the complement: SEPSECS is on the minus strand). VCF-style: chr4-25156147-A-G. GRCh37 (hg19) VCF-style: chr4-25157769-A-G.
Other names: c.692T>C, p.Met231Thr (NM_001410714.1); c.437T>C, p.Met146Thr (NM_153825.2); short protein forms M146T, M231T.
Identifiers: ClinVar variation 3024393 (VCV003024393.2), dbSNP rs2474680643, ClinGen allele CA356542422.